The following is an entry in ClinVar:

ClinVar aggregate classification (germline): Uncertain significance. Review status: criteria provided, multiple submitters, no conflicts (2 of 4 stars). 2 submissions from 2 submitters: Uncertain significance (2). Last evaluated 2024-01-11.

Conditions:
Epidermolysis bullosa simplex 5B, with muscular dystrophy (EBS5B). Also called: EPIDERMOLYSIS BULLOSA SIMPLEX AND LIMB-GIRDLE MUSCULAR DYSTROPHY; Epidermolysis bullosa simplex with muscular dystrophy. Identifiers: Orphanet 257, MedGen C2931072, MONDO:0009181, OMIM 226670.
Epidermolysis bullosa simplex with nail dystrophy (EBS5D). Identifiers: MedGen C4225309, MONDO:0014661, OMIM 616487.
Epidermolysis bullosa simplex 5C, with pyloric atresia (EBS5C). Also called: PLEC-Related Epidermolysis Bullosa with Pyloric Atresia; Epidermolysis bullosa simplex with pyloric atresia; PLEC1-Related Epidermolysis Bullosa with Pyloric Atresia. Identifiers: Orphanet 158684, MedGen C2677349, MONDO:0012807, OMIM 612138.
Autosomal recessive limb-girdle muscular dystrophy type 2Q (LGMDR17). Also called: MUSCULAR DYSTROPHY, LIMB-GIRDLE, AUTOSOMAL RECESSIVE 17. Identifiers: Orphanet 254361, MedGen C3150989, MONDO:0013390, OMIM 613723.
Epidermolysis bullosa simplex, Ogna type (EBS5A). Also called: EPIDERMOLYSIS BULLOSA SIMPLEX 5A, OGNA TYPE; Pidermolysis bullosa simplex 5A, Ogna type. Identifiers: Orphanet 79401, MedGen C0432317, MONDO:0007555, OMIM 131950.

Allele frequency attached by ClinVar (database versions not stated): gnomAD 0.00001; TOPMed 0.00001; gnomAD exomes 0.00002.
gnomAD v4.1: 36 of 1,539,046 alleles (0.0023%); highest among the groups gnomAD compares: Non-Finnish European, 0.0027%; no homozygotes.

Submissions (2):

Labcorp Genetics (formerly Invitae), Labcorp
Classification: Uncertain significance for Autosomal recessive limb-girdle muscular dystrophy type 2Q; Epidermolysis bullosa simplex, Ogna type; Epidermolysis bullosa simplex with nail dystrophy; Epidermolysis bullosa simplex 5C, with pyloric atresia; Epidermolysis bullosa simplex 5B, with muscular dystrophy. Last evaluated: 2024-01-11. Review status: criteria provided, single submitter. Criteria: Invitae Variant Classification Sherloc (09022015). Collection method: clinical testing. Allele origin: germline.
Comment: This sequence change replaces alanine, which is neutral and non-polar, with valine, which is neutral and non-polar, at codon 1641 of the PLEC protein (p.Ala1641Val). This variant is present in population databases (no rsID available, gnomAD 0.002%). This variant has not been reported in the literature in individuals affected with PLEC-related conditions. ClinVar contains an entry for this variant (Variation ID: 2435045). Advanced modeling of protein sequence and biophysical properties (such as structural, functional, and spatial information, amino acid conservation, physicochemical variation, residue mobility, and thermodynamic stability) performed at Invitae indicates that this missense variant is not expected to disrupt PLEC protein function with a negative predictive value of 80%. In summary, the available evidence is currently insufficient to determine the role of this variant in disease. Therefore, it has been classified as a Variant of Uncertain Significance.

Revvity Omics, Revvity
Classification: Uncertain significance. Last evaluated: 2022-07-01. Review status: criteria provided, single submitter. Criteria: ACMG Guidelines, 2015. Collection method: clinical testing. Allele origin: germline.

NM_201384.3(PLEC):c.4841C>T (p.Ala1614Val)

Gene: PLEC (plectin; minus strand). Cytogenetic location: 8q24.3.
Variant type: single nucleotide variant.
Coding change: c.4841C>T on transcript NM_201384.3 (MANE Select); coding-DNA position 4841, C replaced by T.
Protein change: p.Ala1614Val; replaces alanine 1614 with valine.
Molecular consequence: missense variant.
Genome position (GRCh38, 1-based): chr8:143,925,088, G>A on the plus strand (C>T on the coding strand, the complement: PLEC is on the minus strand). VCF-style: chr8-143925088-G-A. GRCh37 (hg19) VCF-style: chr8-144999256-G-A.
Other names: c.4922C>T, p.Ala1641Val (NM_000445.5); c.4799C>T, p.Ala1600Val (NM_201378.4); c.4775C>T, p.Ala1592Val (NM_201379.3); c.5252C>T, p.Ala1751Val (NM_201380.4); c.4745C>T, p.Ala1582Val (NM_201381.3); c.4841C>T, p.Ala1614Val (NM_201382.4); c.4853C>T, p.Ala1618Val (NM_201383.3); short protein forms A1582V, A1592V, A1600V, A1614V, A1618V, A1641V, A1751V.
Identifiers: ClinVar variation 2435045 (VCV002435045.6), dbSNP rs1208422935, ClinGen allele CA372552440.